The following is an entry in ClinVar:

ClinVar aggregate classification (germline): Pathogenic. Review status: criteria provided, multiple submitters, no conflicts (2 of 4 stars). 6 submissions from 6 submitters: Pathogenic (5). 1 of the submissions does not count toward it. Last evaluated 2024-02-13.

Conditions:
Heimler syndrome 2 (HMLR2). Also called: PEROXISOME BIOGENESIS DISORDER 4C. Identifiers: Orphanet 3220, MedGen C4225267, OMIM 616617, MONDO:0014709.
Peroxisome biogenesis disorder 4A (Zellweger) (PBD4A). Also called: Zellweger syndrome spectrum (PEX6-related). Identifiers: Orphanet 912, MedGen C3553936, MONDO:0013930, OMIM 614862. Disease mechanism: loss of function.
Peroxisome biogenesis disorder 4B (PBD4B). Also called: SPINOCEREBELLAR ATAXIA WITH BLINDNESS AND DEAFNESS 1. Identifiers: Orphanet 44, Orphanet 95433, MedGen C3553937, MONDO:0013931, OMIM 614863.
Peroxisome biogenesis disorder. Identifiers: Orphanet 79189, MedGen C1832200, MONDO:0019234. Disease mechanism: loss of function.
PEX6-related disorder. Also called: PEX6-related condition; PEX6-related disorders.

Submissions (6):

Fulgent Genetics
Classification: Pathogenic for Peroxisome biogenesis disorder 4A (Zellweger); Peroxisome biogenesis disorder 4B; Heimler syndrome 2. Last evaluated: 2024-02-13. Review status: criteria provided, single submitter. Criteria: ACMG Guidelines, 2015. Collection method: clinical testing. Allele origin: germline.

Blueprint Genetics
Classification: Pathogenic for PEX6-related disorders. Last evaluated: 2024-02-09. Review status: criteria provided, single submitter. Criteria: ACMG Guidelines, 2015. Collection method: clinical testing. Allele origin: germline. Affected: yes. Observed: 5 variant alleles.

Baylor Genetics
Classification: Pathogenic for Heimler syndrome 2. Last evaluated: 2023-10-28. Review status: criteria provided, single submitter. Criteria: ACMG Guidelines, 2015. Collection method: clinical testing. Allele origin: unknown.

Labcorp Genetics (formerly Invitae), Labcorp
Classification: Pathogenic for Peroxisome biogenesis disorder. Last evaluated: 2023-09-06. Review status: criteria provided, single submitter. Criteria: Invitae Variant Classification Sherloc (09022015). Collection method: clinical testing. Allele origin: germline.
Comment: For these reasons, this variant has been classified as Pathogenic. Studies have shown that this premature translational stop signal is associated with altered splicing resulting in multiple RNA products (PMID: 22894767). ClinVar contains an entry for this variant (Variation ID: 555443). This variant is also known as PEX6del619–882. This premature translational stop signal has been observed in individuals with Zellweger spectrum disorder (PMID: 11355018, 22894767). It has also been observed to segregate with disease in related individuals. This variant is present in population databases (rs63749004, gnomAD 0.003%). This sequence change creates a premature translational stop signal (p.Asp268Cysfs*8) in the PEX6 gene. It is expected to result in an absent or disrupted protein product. Loss-of-function variants in PEX6 are known to be pathogenic (PMID: 10408779, 21031596, 31831025).

Women's Health and Genetics/Laboratory Corporation of America, LabCorp
Classification: Pathogenic for Peroxisome biogenesis disorder. Last evaluated: 2022-10-17. Review status: criteria provided, single submitter. Criteria: LabCorp Variant Classification Summary - May 2015. Collection method: clinical testing. Allele origin: germline.
Comment: Variant summary: PEX6 c.802_815del14 (p.Asp268CysfsX8) results in a premature termination codon, predicted to cause a truncation of the encoded protein or absence of the protein due to nonsense mediated decay. However, the sequencing of RT-PCR products showed two different transcripts corresponding to the loss of terminal sequence of exon 1, c.226_882 and c.619_882 (p.[Val207_Gln294del, Val76_Gln294del]). The variant allele was found at a frequency of 1.2e-05 in 251468 control chromosomes. c.802_815del14 has been reported as a heterozygous and homozygous phenotype in the literature in multiple individuals affected with Zellweger Syndrome (Levesque_2012 and Matsumoto_2001). These data indicate that the variant is very likely to be associated with disease. At least one publication reports experimental evidence indicating that homozygous mutant fibroblasts did not produce detectable amounts of either full-length of truncated PEX6 protein and found a severe decrease in peroxisome number, abnomally enlarged peroxisomes and absent matrix protein import into the organelle in the patient compared to control fibroblasts. Two clinical diagnostic laboratories have submitted clinical-significance assessments for this variant to ClinVar after 2014 without evidence for independent evaluation. All laboratories classified the variant as pathogenic. Based on the evidence outlined above, the variant was classified as pathogenic.

Counsyl
Classification: Pathogenic for Peroxisome biogenesis disorder 4A (Zellweger); Peroxisome biogenesis disorder 4B. Last evaluated: 2017-12-05. Review status: no assertion criteria provided. Collection method: clinical testing. Allele origin: unknown. Not counted in ClinVar's aggregate classification.

Literature cited by the submitters: PubMed 22894767 (cited by 3 submitters); PubMed 11355018 (cited by Labcorp Genetics (formerly Invitae), Labcorp and Women's Health and Genetics/Laboratory Corporation of America, LabCorp); PubMed 10408779 (cited by Labcorp Genetics (formerly Invitae), Labcorp); PubMed 21031596 (cited by Labcorp Genetics (formerly Invitae), Labcorp); PubMed 31831025 (cited by Labcorp Genetics (formerly Invitae), Labcorp).

NM_000287.4(PEX6):c.802_815del (p.Asp268fs)

Gene: PEX6 (peroxisomal biogenesis factor 6; minus strand). Cytogenetic location: 6p21.1.
Variant type: Deletion.
Coding change: c.802_815del on transcript NM_000287.4 (MANE Select); coding-DNA positions 802 to 815, 14 bases deleted (GACGGACTGGCGCT).
Protein change: p.Asp268fs; shifts the reading frame from aspartic acid 268.
Molecular consequence: frameshift variant. On other transcripts: non-coding transcript variant (1), intron variant (1).
Genome position (GRCh38, 1-based): chr6:42,978,336-42,978,349, AGCGCCAGTCCGTC deleted on the plus strand (GACGGACTGGCGCT on the coding strand, the reverse complement: PEX6 is on the minus strand); deleting any 14 consecutive bases within chr6:42,978,336-42,978,353 gives the same sequence; the c. name uses the placement nearest the transcript's 3' end. VCF-style (leftmost placement, unchanged base first): chr6-42978335-AAGCGCCAGTCCGTC-A. GRCh37 (hg19) VCF-style: chr6-42946073-AAGCGCCAGTCCGTC-A.
Other names: c.618+184_618+197del (NM_001316313.2); short protein forms D268fs.
Identifiers: ClinVar variation 555443 (VCV000555443.14), dbSNP rs63749004, ClinGen allele CA138237565.